The following is an entry in ClinVar:

NM_024408.4(NOTCH2):c.2108G>T (p.Gly703Val)

Gene: NOTCH2 (notch receptor 2; minus strand). Cytogenetic location: 1p12.
Variant type: single nucleotide variant.
Coding change: c.2108G>T on transcript NM_024408.4 (MANE Select); coding-DNA position 2108, G replaced by T.
Protein change: p.Gly703Val; replaces glycine 703 with valine.
Molecular consequence: missense variant.
Genome position (GRCh38, 1-based): chr1:119,955,151, C>A on the plus strand (G>T on the coding strand, the complement: NOTCH2 is on the minus strand). VCF-style: chr1-119955151-C-A. GRCh37 (hg19) VCF-style: chr1-120497774-C-A.
Other names: c.2108G>T, p.Gly703Val (NM_001200001.2); short protein forms G703V.
Identifiers: ClinVar variation 2896496 (VCV002896496.3), dbSNP rs782451942, ClinGen allele CA1040379.

ClinVar aggregate classification (germline): Uncertain significance (1 of 4 stars; one submission).

Conditions:
Hajdu-Cheney syndrome (HJCYS). Also called: Acroosteolysis dominant type; ACROOSTEOLYSIS WITH OSTEOPOROSIS AND CHANGES IN SKULL AND MANDIBLE; SERPENTINE FIBULA-POLYCYSTIC KIDNEY SYNDROME. Identifiers: Orphanet 955, MedGen C0917715, MONDO:0007057, OMIM 102500.

Allele frequency attached by ClinVar (database versions not stated): ExAC 0.00001; gnomAD 0.00001.
gnomAD v4.1: 6 of 1,614,032 alleles (0.00037%); highest among the groups gnomAD compares: Middle Eastern, 0.016%; no homozygotes.

Submission:

Labcorp Genetics (formerly Invitae), Labcorp
Classification: Uncertain significance for Hajdu-Cheney syndrome. Last evaluated: 2023-03-20. Review status: criteria provided, single submitter. Criteria: Invitae Variant Classification Sherloc (09022015). Collection method: clinical testing. Allele origin: germline.
Comment: This sequence change replaces glycine, which is neutral and non-polar, with valine, which is neutral and non-polar, at codon 703 of the NOTCH2 protein (p.Gly703Val). This variant is present in population databases (rs782451942, gnomAD 0.002%). This variant has not been reported in the literature in individuals affected with NOTCH2-related conditions. An algorithm developed to predict the effect of missense changes on protein structure and function (PolyPhen-2) suggests that this variant is likely to be disruptive. In summary, the available evidence is currently insufficient to determine the role of this variant in disease. Therefore, it has been classified as a Variant of Uncertain Significance.